The following is an entry in ClinVar:

ClinVar aggregate classification (germline): Uncertain significance (1 of 4 stars; one submission).

Allele frequency attached by ClinVar (database versions not stated): gnomAD 0.00001; TOPMed 0.00002; ExAC 0.00003; ESP Exome Variant Server 0.00008.
gnomAD v4.1: 21 of 1,614,010 alleles (0.0013%); highest among the groups gnomAD compares: South Asian, 0.0022%; no homozygotes.

Submission:

Ambry Genetics
Classification: Uncertain significance. Last evaluated: 2017-10-11. Review status: criteria provided, single submitter. Criteria: Ambry Variant Classification Scheme 2023. Collection method: clinical testing. Allele origin: germline.
Comment: The p.R353W variant (also known as c.1057C>T), located in coding exon 12 of the KATNAL2 gene, results from a C to T substitution at nucleotide position 1057. The arginine at codon 353 is replaced by tryptophan, an amino acid with dissimilar properties. This amino acid position is not conserved on species alignment. In addition, this alteration is predicted to be tolerated by in silico analysis. Since supporting evidence is limited at this time, the clinical significance of this alteration remains unclear.

NM_001387690.1(KATNAL2):c.1273C>T (p.Arg425Trp)

Gene: KATNAL2 (katanin catalytic subunit A1 like 2; plus strand). Cytogenetic location: 18q21.1.
Variant type: single nucleotide variant.
Coding change: c.1273C>T on transcript NM_001387690.1 (MANE Select); coding-DNA position 1273, C replaced by T.
Protein change: p.Arg425Trp; replaces arginine 425 with tryptophan.
Molecular consequence: missense variant. On other transcripts: non-coding transcript variant (1).
Genome position (GRCh38, 1-based): chr18:47,099,304, C>T. VCF-style: chr18-47099304-C-T. GRCh37 (hg19) VCF-style: chr18-44625675-C-T.
Other names: c.1351C>T, p.Arg451Trp (NM_001353899.1); c.1348C>T, p.Arg450Trp (NM_001353900.1); c.940C>T, p.Arg314Trp (NM_001353903.1); c.841C>T, p.Arg281Trp (NM_001353904.1); c.1273C>T, p.Arg425Trp (NM_001367621.1); c.1057C>T, p.Arg353Trp (NM_031303.3); short protein forms R450W, R353W, R451W, R425W, R281W, R314W.
Identifiers: ClinVar variation 1778930 (VCV001778930.2), dbSNP rs374926522, ClinGen allele CA8955298.